The following is an entry in ClinVar:

NM_001042492.3(NF1):c.6473T>G (p.Leu2158Ter)

Gene: NF1 (neurofibromin 1; plus strand). Cytogenetic location: 17q11.2.
Variant type: single nucleotide variant.
Coding change: c.6473T>G on transcript NM_001042492.3 (MANE Select); coding-DNA position 6473, T replaced by G.
Protein change: p.Leu2158Ter; replaces leucine 2158 with a stop codon.
Molecular consequence: nonsense.
Genome position (GRCh38, 1-based): chr17:31,337,413, T>G. VCF-style: chr17-31337413-T-G. GRCh37 (hg19) VCF-style: chr17-29664431-T-G.
Other names: c.6410T>G, p.Leu2137Ter (NM_000267.4); short protein forms L2137*, L2158*.
Identifiers: ClinVar variation 4718183 (VCV004718183.1).

ClinVar aggregate classification (germline): Pathogenic (1 of 4 stars; one submission).

Conditions:
Neurofibromatosis, type 1 (NF1). Also called: NEUROFIBROMATOSIS, TYPE I, SOMATIC; VON RECKLINGHAUSEN DISEASE; Peripheral type neurofibromatosis; Neurofibromatosis, type I. Identifiers: Orphanet 636, MedGen C0027831, MONDO:0018975, OMIM 162200. Disease mechanism: loss of function.

Submission:

Labcorp Genetics (formerly Invitae), Labcorp
Classification: Pathogenic for Neurofibromatosis, type 1. Last evaluated: 2025-04-23. Review status: criteria provided, single submitter. Criteria: Invitae Variant Classification Sherloc (09022015). Collection method: clinical testing. Allele origin: germline.
Comment: This sequence change creates a premature translational stop signal (p.Leu2137*) in the NF1 gene. It is expected to result in an absent or disrupted protein product. Loss-of-function variants in NF1 are known to be pathogenic (PMID: 10712197, 23913538). This variant is not present in population databases (gnomAD no frequency). This premature translational stop signal has been observed in individual(s) with NF1-related conditions (PMID: 16835897). For these reasons, this variant has been classified as Pathogenic.

Literature cited by the submitters: PubMed 10712197; PubMed 23913538; PubMed 16835897.